The following is an entry in ClinVar:

ClinVar aggregate classification (germline): Uncertain significance (1 of 4 stars; one submission).

Conditions:
Myasthenic syndrome, congenital, 22 (CMS22). Also called: PREPL DEFICIENCY. Identifiers: MedGen C4479088, MONDO:0044299, OMIM 616224.

Allele frequency attached by ClinVar (database versions not stated): gnomAD exomes below 0.00001; ExAC 0.00001.
gnomAD v4.1: 1 of 1,587,546 alleles (0.000063%); no homozygotes.

Submission:

Labcorp Genetics (formerly Invitae), Labcorp
Classification: Uncertain significance for Myasthenic syndrome, congenital, 22. Last evaluated: 2022-07-26. Review status: criteria provided, single submitter. Criteria: Invitae Variant Classification Sherloc (09022015). Collection method: clinical testing. Allele origin: germline.
Comment: This sequence change falls in intron 11 of the PREPL gene. It does not directly change the encoded amino acid sequence of the PREPL protein. It affects a nucleotide within the consensus splice site. This variant is present in population databases (rs777121021, gnomAD 0.003%). This variant has not been reported in the literature in individuals affected with PREPL-related conditions. ClinVar contains an entry for this variant (Variation ID: 1486252). Variants that disrupt the consensus splice site are a relatively common cause of aberrant splicing (PMID: 17576681, 9536098). Algorithms developed to predict the effect of sequence changes on RNA splicing suggest that this variant is not likely to affect RNA splicing. In summary, the available evidence is currently insufficient to determine the role of this variant in disease. Therefore, it has been classified as a Variant of Uncertain Significance.

Literature cited by the submitters: PubMed 17576681; PubMed 9536098.

NM_001171613.2(PREPL):c.1629+5T>G

Gene: PREPL (prolyl endopeptidase like; minus strand). Cytogenetic location: 2p21.
Variant type: single nucleotide variant.
Coding change: c.1629+5T>G on transcript NM_001171613.2 (MANE Select); 5 bases into the intron after coding-DNA position 1629, T replaced by G.
Molecular consequence: intron variant.
Genome position (GRCh38, 1-based): chr2:44,323,257, A>C on the plus strand (T>G on the coding strand, the complement: PREPL is on the minus strand). VCF-style: chr2-44323257-A-C. GRCh37 (hg19) VCF-style: chr2-44550396-A-C.
Other names: c.1629+5T>G (NM_001171617.1, NM_001374277.1); c.1896+5T>G (NM_001171603.1, NM_001374275.1, NM_001374276.1 and 2 more transcripts); c.1710+5T>G (NM_001042385.2); c.1698+5T>G (NM_001042386.2).
Identifiers: ClinVar variation 1486252 (VCV001486252.3), dbSNP rs777121021, ClinGen allele CA1641035.